The following is an entry in ClinVar:

ClinVar aggregate classification (germline): Pathogenic. Review status: reviewed by expert panel (3 of 4 stars). 5 submissions from 5 submitters: Pathogenic (1). 4 of the submissions do not count toward it. Last evaluated 2016-09-08.

Conditions:
Hereditary breast ovarian cancer syndrome. Also called: Hereditary breast and ovarian cancer syndrome; Hereditary breast and ovarian cancer; Hereditary breast and ovarian cancer syndrome (HBOC); Breast and ovarian cancer; Hereditary breast and/or ovarian cancer syndrome; BRCA1- and BRCA2-Associated Hereditary Breast and Ovarian Cancer. Identifiers: Orphanet 145, MedGen C0677776, MeSH D061325, MONDO:0003582. Disease mechanism: loss of function.
Breast-ovarian cancer, familial, susceptibility to, 2 (BROVCA2). Also called: BRCA2 Hereditary Breast and Ovarian Cancer. Identifiers: Orphanet 145, MedGen C2675520, MONDO:0012933, OMIM 612555. Disease mechanism: loss of function.

Submissions (5):

Evidence-based Network for the Interpretation of Germline Mutant Alleles (ENIGMA)
Classification: Pathogenic for Breast-ovarian cancer, familial, susceptibility to, 2. Last evaluated: 2016-09-08. Review status: reviewed by expert panel. Criteria: ENIGMA BRCA1/2 Classification Criteria (2015). Collection method: curation. Allele origin: germline.
Comment: Variant allele predicted to encode a truncated non-functional protein.

GeneDx
Classification: Pathogenic. Last evaluated: 2019-09-25. Review status: criteria provided, single submitter. Criteria: GeneDx Variant Classification Process June 2021. Collection method: clinical testing. Allele origin: germline. Affected: yes. Not counted in ClinVar's aggregate classification.
Comment: Nonsense variant predicted to result in protein truncation or nonsense mediated decay in a gene for which loss-of-function is a known mechanism of disease; Not observed in large population cohorts (Lek et al., 2016); Truncating variants in this gene are considered pathogenic by a well-established clinical consortium and/or database; Has not been previously published as pathogenic or benign to our knowledge; Also known as BRCA2 880G>T

Research Molecular Genetics Laboratory, Women's College Hospital, University of Toronto
Classification: Pathogenic for Hereditary breast ovarian cancer syndrome. Last evaluated: 2014-01-31. Review status: no assertion criteria provided. Collection method: research. Allele origin: germline. Affected: yes. Study: The Canadian Open Genetics Repository (COGR). Not counted in ClinVar's aggregate classification.

Sharing Clinical Reports Project (SCRP)
Classification: Pathogenic for Breast-ovarian cancer, familial 2. Last evaluated: 2011-02-08. Review status: no assertion criteria provided. Collection method: clinical testing. Allele origin: germline. Not counted in ClinVar's aggregate classification.

Breast Cancer Information Core (BIC) (BRCA2)
Classification: Pathogenic for Breast-ovarian cancer, familial 2. Last evaluated: 2003-12-23. Review status: no assertion criteria provided. Collection method: clinical testing. Allele origin: germline. Affected: yes. Observed: 1 variant allele. Not counted in ClinVar's aggregate classification.

NM_000059.4(BRCA2):c.652G>T (p.Glu218Ter)

Gene: BRCA2 (BRCA2 DNA repair associated; plus strand). Cytogenetic location: 13q13.1.
Variant type: single nucleotide variant.
Coding change: c.652G>T on transcript NM_000059.4 (MANE Select); coding-DNA position 652, G replaced by T.
Protein change: p.Glu218Ter; replaces glutamic acid 218 with a stop codon.
Molecular consequence: nonsense.
Genome position (GRCh38, 1-based): chr13:32,329,463, G>T. VCF-style: chr13-32329463-G-T. GRCh37 (hg19) VCF-style: chr13-32903600-G-T.
Other names: 880G>T; short protein forms E218*.
Identifiers: ClinVar variation 52121 (VCV000052121.4), dbSNP rs80358884, ClinGen allele CA024134.